The following is an entry in ClinVar:

NM_001365951.3(KIF1B):c.5096+3G>T

Gene: KIF1B (kinesin family member 1B; plus strand). Cytogenetic location: 1p36.22.
Variant type: single nucleotide variant.
Coding change: c.5096+3G>T on transcript NM_001365951.3 (MANE Select); 3 bases into the intron after coding-DNA position 5096, G replaced by T.
Molecular consequence: intron variant.
Genome position (GRCh38, 1-based): chr1:10,374,468, G>T. VCF-style: chr1-10374468-G-T. GRCh37 (hg19) VCF-style: chr1-10434526-G-T.
Other names: NC_000001.10:g.10434526G>T; c.4958+3G>T (NM_015074.3); c.5096+3G>T (NM_001365952.1).
Identifiers: ClinVar variation 4043065 (VCV004043065.2).
Genomic context (GRCh38, chr1:10,374,468, plus strand): 5'-GAGCAGGAAAAAACGAATTTCTCAATCTTGTTCCAGATATTGAAGAAATTAGACCAAGGT[G>T]AGTACTATATTGAGCAGGAATGCCAGCTATAAAAAACAAATCCACAGGAAGAAGTGACTG-3'

ClinVar aggregate classification (germline): Uncertain significance (1 of 4 stars; one submission).

gnomAD v4.1: 1 of 1,614,056 alleles (0.000062%); highest among the groups gnomAD compares: East Asian, 0.0022%; no homozygotes.

Submissions (2):

Ambry Genetics
Classification: Uncertain significance. Last evaluated: 2025-06-13. Review status: criteria provided, single submitter. Criteria: Ambry Variant Classification Scheme 2023. Collection method: clinical testing. Allele origin: germline.
Comment: The c.4958+3G>T intronic variant results from a G to T substitution 3 nucleotides after coding exon 43 in the KIF1B gene. This nucleotide position is not well conserved in available vertebrate species. In silico splice site analysis predicts that this alteration will not have any significant effect on splicing. The evidence for this gene-disease relationship is limited; therefore, the clinical significance of this alteration is unclear.

Dr. Peter K. Rogan Lab, Western University
No classification provided (evidence only). Condition: Ovarian serous cystadenocarcinoma. Review status: no classification provided. Collection method: in vitro. Allele origin: not applicable. Functional consequence: retained intron. Not counted in ClinVar's aggregate classification.